The following is an entry in ClinVar:

ClinVar aggregate classification (germline): Uncertain significance (1 of 4 stars; one submission).

Conditions:
SRRM2-related disorder. Also called: SRRM2-related condition.

Submission:

PreventionGenetics, part of Exact Sciences
Classification: Uncertain significance for SRRM2-related condition. Last evaluated: 2026-09-05. Review status: criteria provided, single submitter. Criteria: ACMG Guidelines, 2015. Collection method: clinical testing. Allele origin: germline.
Comment: The SRRM2 c.6566G>C variant is predicted to result in the amino acid substitution p.Ser2189Thr. To our knowledge, this variant has not been reported in the literature or in a large population database (gnomAD), indicating this variant is rare. At this time, the clinical significance of this variant is uncertain due to the absence of conclusive functional and genetic evidence.

NM_016333.4(SRRM2):c.6566G>C (p.Ser2189Thr)

Gene: SRRM2 (serine/arginine repetitive matrix 2; plus strand). Cytogenetic location: 16p13.3.
Variant type: single nucleotide variant.
Coding change: c.6566G>C on transcript NM_016333.4 (MANE Select); coding-DNA position 6566, G replaced by C.
Protein change: p.Ser2189Thr; replaces serine 2189 with threonine.
Molecular consequence: missense variant.
Genome position (GRCh38, 1-based): chr16:2,767,094, G>C. VCF-style: chr16-2767094-G-C. GRCh37 (hg19) VCF-style: chr16-2817095-G-C.
Other names: short protein forms S2189T.
Identifiers: ClinVar variation 4991816 (VCV004991816.1).
Genomic context (GRCh38, chr16:2,767,094, plus strand): 5'-GAACATCTGTGCCAGAAAATCATGCTCAGTCCAGGATTGCACTTGCCCTGACAGCTATCA[G>C]TCTTGGCACCGCTCGGCCTCCTCCGTCCATGTCTGCTGCTGGCCTTGCTGCAAGAATGTC-3'
Protein context (NP_057417.3, residues 2179-2199): SRIALALTAI[Ser2189Thr]LGTARPPPSM